The following is an entry in ClinVar:

ClinVar aggregate classification (germline): Likely benign (1 of 4 stars; one submission).

Submission:

CeGaT Center for Human Genetics Tuebingen
Classification: Likely benign. Last evaluated: 2026-06-01. Review status: criteria provided, single submitter. Criteria: CeGaT Center For Human Genetics Tuebingen Variant Classification Criteria Version 2. Collection method: clinical testing. Allele origin: germline. Affected: yes. Observed: 1 variant allele.
Comment: FLI1: PM2:Supporting, BP4, BP7

NM_002017.5(FLI1):c.96C>A (p.Ala32=)

Gene: FLI1 (Fli-1 proto-oncogene, ETS transcription factor; plus strand). Cytogenetic location: 11q24.3.
Variant type: single nucleotide variant.
Coding change: c.96C>A on transcript NM_002017.5 (MANE Select); coding-DNA position 96, C replaced by A.
Protein change: p.Ala32=; no amino-acid change (alanine 32 retained).
Molecular consequence: synonymous variant. On other transcripts: 5 prime UTR variant (6).
Genome position (GRCh38, 1-based): chr11:128,758,192, C>A. VCF-style: chr11-128758192-C-A. GRCh37 (hg19) VCF-style: chr11-128628087-C-A.
Other names: c.-4C>A (NM_001167681.3, NM_001440369.1, NM_001440370.1 and 1 more transcripts); c.-274C>A (NM_001271010.2); c.-125C>A (NM_001271012.2); c.96C>A, p.Ala32= (NM_001440372.1).
Identifiers: ClinVar variation 4873101 (VCV004873101.2).